The following is an entry in ClinVar:

ClinVar aggregate classification (germline): Uncertain significance (1 of 4 stars; one submission).

Conditions:
Dilated cardiomyopathy 1CC (CMD1CC). Identifiers: Orphanet 154, MedGen C2751084, MONDO:0013147, OMIM 613122.
Hypertrophic cardiomyopathy 20. Identifiers: MedGen C3151267, MONDO:0013477, OMIM 613876.

Submission:

Labcorp Genetics (formerly Invitae), Labcorp
Classification: Uncertain significance for Dilated cardiomyopathy 1CC; Hypertrophic cardiomyopathy 20. Last evaluated: 2022-03-18. Review status: criteria provided, single submitter. Criteria: Invitae Variant Classification Sherloc (09022015). Collection method: clinical testing. Allele origin: germline.
Comment: A copy number gain of the genomic region encompassing the full coding sequence of the NEXN gene has been identified. The boundaries of this event are unknown as they extend beyond the assayed region for this gene and therefore may encompass additional genes. As the precise location of this event is unknown, it may be in tandem or it may be located elsewhere in the genome. A similar copy number variant has been observed in individual(s) with hypertrophic cardiomyopathy (PMID: 27066507). Experimental studies and prediction algorithms are not available or were not evaluated, and the functional significance of this variant is currently unknown. In summary, the available evidence is currently insufficient to determine the role of this variant in disease. Therefore, it has been classified as a Variant of Uncertain Significance.

Literature cited by the submitters: PubMed 27066507.

NC_000001.10:g.(?_78381662)_(78408524_?)dup

Gene: NEXN (nexilin F-actin binding protein; plus strand). Cytogenetic location: 1p31.1.
Variant type: Duplication.
Identifiers: ClinVar variation 1011949 (VCV001011949.2).